The following is an entry in ClinVar:

Conditions:
Long QT syndrome 5 (LQT5). Identifiers: Orphanet 101016, Orphanet 768, MedGen C1867904, MONDO:0013372, OMIM 613695.

Submission:

Roden Lab, Vanderbilt University Medical Center
No classification provided (evidence only). Condition: Long QT syndrome 5. Review status: no classification provided. Collection method: in vitro. Allele origin: not applicable. Functional consequence: Effect on ion channel function.
ClinVar note: "not provided" was previously submitted as the classification for the variant. However, the classification appeared to be based only on an observation of functional data so it was converted to no classification on 2025-07-30.

NM_000219.6(KCNE1):c.156A>G (p.Gly52=)

Gene: KCNE1 (potassium voltage-gated channel subfamily E regulatory subunit 1; minus strand). Cytogenetic location: 21q22.12.
Variant type: single nucleotide variant.
Coding change: c.156A>G on transcript NM_000219.6 (MANE Select); coding-DNA position 156, A replaced by G.
Protein change: p.Gly52=; no amino-acid change (glycine 52 retained).
Molecular consequence: synonymous variant.
Genome position (GRCh38, 1-based): chr21:34,449,479, T>C on the plus strand (A>G on the coding strand, the complement: KCNE1 is on the minus strand). VCF-style: chr21-34449479-T-C. GRCh37 (hg19) VCF-style: chr21-35821777-T-C.
Other names: c.156A>G, p.Gly52= (NM_001127668.4, NM_001127669.4, NM_001127670.4 and 4 more transcripts).
Identifiers: ClinVar variation 3374194 (VCV003374194.2).